The following is an entry in ClinVar:

ClinVar aggregate classification (germline): Uncertain significance (1 of 4 stars; one submission).

Conditions:
Inborn genetic diseases. Identifiers: MedGen C0950123, MeSH D030342.

Allele frequency attached by ClinVar (database versions not stated): TOPMed 0.00001; gnomAD exomes 0.00003 and 0.00004; ExAC 0.00004; gnomAD 0.00007 and 0.00008.
gnomAD v4.1: 53 of 1,553,028 alleles (0.0034%); highest among the groups gnomAD compares: South Asian, 0.023%; no homozygotes.

Submission:

Ambry Genetics
Classification: Uncertain significance for Inborn genetic diseases. Last evaluated: 2016-12-15. Review status: criteria provided, single submitter. Criteria: Ambry Variant Classification Scheme 2023. Collection method: clinical testing. Allele origin: germline.
Comment: The p.I2410T variant (also known as c.7229T>C), located in coding exon 37 of the CHD8 gene, results from a T to C substitution at nucleotide position 7229. The isoleucine at codon 2410 is replaced by threonine, an amino acid with similar properties. This amino acid position is poorly conserved in available vertebrate species. In addition, the in silico prediction for this alteration is inconclusive. Since supporting evidence is limited at this time, the clinical significance of this alteration remains unclear.

NM_001170629.2(CHD8):c.7229T>C (p.Ile2410Thr)

Gene: CHD8 (chromodomain helicase DNA binding protein 8; minus strand). Cytogenetic location: 14q11.2.
Variant type: single nucleotide variant.
Coding change: c.7229T>C on transcript NM_001170629.2 (MANE Select); coding-DNA position 7229, T replaced by C.
Protein change: p.Ile2410Thr; replaces isoleucine 2410 with threonine.
Molecular consequence: missense variant.
Genome position (GRCh38, 1-based): chr14:21,386,130, A>G on the plus strand (T>C on the coding strand, the complement: CHD8 is on the minus strand). VCF-style: chr14-21386130-A-G. GRCh37 (hg19) VCF-style: chr14-21854289-A-G.
Other names: c.6392T>C, p.Ile2131Thr (NM_020920.4); short protein forms I2131T, I2410T.
Identifiers: ClinVar variation 588620 (VCV000588620.5), dbSNP rs765016238, ClinGen allele CA7090573.